The following is an entry in ClinVar:

ClinVar aggregate classification (germline): Likely benign. Review status: criteria provided, multiple submitters, no conflicts (2 of 4 stars). 3 submissions from 3 submitters: Likely benign (2). 1 of the submissions does not count toward it. Last evaluated 2024-11-19.

Conditions:
TRRAP-related disorder. Also called: TRRAP-related condition.

Allele frequency attached by ClinVar (database versions not stated): gnomAD exomes 0.00005; TOPMed 0.00008; gnomAD 0.00010; 1000 Genomes Project 30x 0.00016; 1000 Genomes Project 0.00020; ExAC 0.00020.
gnomAD v4.1: 84 of 1,614,018 alleles (0.0052%); highest among the groups gnomAD compares: East Asian, 0.14%; no homozygotes.

Submissions (3):

Blueprint Genetics
Classification: Likely benign. Last evaluated: 2024-11-19. Review status: criteria provided, single submitter. Criteria: ACMG Guidelines, 2015. Collection method: clinical testing. Allele origin: germline.

Labcorp Genetics (formerly Invitae), Labcorp
Classification: Likely benign. Last evaluated: 2024-11-12. Review status: criteria provided, single submitter. Criteria: Invitae Variant Classification Sherloc (09022015). Collection method: clinical testing. Allele origin: germline.

PreventionGenetics, part of Exact Sciences
Classification: Likely benign for TRRAP-related condition. Last evaluated: 2024-06-03. Review status: no assertion criteria provided. Collection method: clinical testing. Allele origin: germline. Not counted in ClinVar's aggregate classification.
Comment: This variant is classified as likely benign based on ACMG/AMP sequence variant interpretation guidelines (Richards et al. 2015 PMID: 25741868, with internal and published modifications).

NM_001375524.1(TRRAP):c.7864G>A (p.Val2622Ile)

Gene: TRRAP (transformation/transcription domain associated protein; plus strand). Cytogenetic location: 7q22.1.
Variant type: single nucleotide variant.
Coding change: c.7864G>A on transcript NM_001375524.1 (MANE Select); coding-DNA position 7864, G replaced by A.
Protein change: p.Val2622Ile; replaces valine 2622 with isoleucine.
Molecular consequence: missense variant.
Genome position (GRCh38, 1-based): chr7:98,976,173, G>A. VCF-style: chr7-98976173-G-A. GRCh37 (hg19) VCF-style: chr7-98573796-G-A.
Other names: c.7789G>A (NM_003496.3); c.7843G>A, p.Val2615Ile (NM_001244580.2); c.7789G>A, p.Val2597Ile (NM_003496.4); short protein forms V2597I, V2615I, V2622I.
Identifiers: ClinVar variation 2420312 (VCV002420312.8), dbSNP rs201145010, ClinGen allele CA4361268.